The following is an entry in ClinVar:

ClinVar aggregate classification (germline): Uncertain significance (1 of 4 stars; one submission).

Conditions:
Hereditary spastic paraplegia 53. Also called: Spastic paraplegia 53, autosomal recessive. Identifiers: Orphanet 319199, MedGen C3539494, MONDO:0013962, OMIM 614898.

Allele frequency attached by ClinVar (database versions not stated): ExAC 0.00001; gnomAD 0.00001; gnomAD exomes below 0.00001; TOPMed 0.00002.
gnomAD v4.1: 7 of 1,601,924 alleles (0.00044%); highest among the groups gnomAD compares: Non-Finnish European, 0.00017%; no homozygotes.

Submission:

Labcorp Genetics (formerly Invitae), Labcorp
Classification: Uncertain significance for Hereditary spastic paraplegia 53. Last evaluated: 2022-12-06. Review status: criteria provided, single submitter. Criteria: Invitae Variant Classification Sherloc (09022015). Collection method: clinical testing. Allele origin: germline.
Comment: This variant has not been reported in the literature in individuals affected with VPS37A-related conditions. In summary, the available evidence is currently insufficient to determine the role of this variant in disease. Therefore, it has been classified as a Variant of Uncertain Significance. Advanced modeling of protein sequence and biophysical properties (such as structural, functional, and spatial information, amino acid conservation, physicochemical variation, residue mobility, and thermodynamic stability) performed at Invitae indicates that this missense variant is not expected to disrupt VPS37A protein function. The frequency data for this variant in the population databases is considered unreliable, as metrics indicate poor data quality at this position in the gnomAD database. This sequence change replaces threonine, which is neutral and polar, with isoleucine, which is neutral and non-polar, at codon 135 of the VPS37A protein (p.Thr135Ile).

NM_152415.3(VPS37A):c.404C>T (p.Thr135Ile)

Gene: VPS37A (VPS37A subunit of ESCRT-I; plus strand). Cytogenetic location: 8p22.
Variant type: single nucleotide variant.
Coding change: c.404C>T on transcript NM_152415.3 (MANE Select); coding-DNA position 404, C replaced by T.
Protein change: p.Thr135Ile; replaces threonine 135 with isoleucine.
Molecular consequence: missense variant.
Genome position (GRCh38, 1-based): chr8:17,268,944, C>T. VCF-style: chr8-17268944-C-T. GRCh37 (hg19) VCF-style: chr8-17126453-C-T.
Other names: c.329C>T, p.Thr110Ile (NM_001145152.2); c.404C>T, p.Thr135Ile (NM_001363167.1, NM_001363173.2); c.134C>T, p.Thr45Ile (NM_001363168.1, NM_001363169.1, NM_001363170.1 and 2 more transcripts); short protein forms T135I, T45I, T110I.
Identifiers: ClinVar variation 2062391 (VCV002062391.4), dbSNP rs779303711, ClinGen allele CA4643279.